The following is an entry in ClinVar:

ClinVar aggregate classification (germline): Uncertain significance. Review status: criteria provided, multiple submitters, no conflicts (2 of 4 stars). 3 submissions from 3 submitters: Uncertain significance (2). 1 of the submissions does not count toward it. Last evaluated 2024-03-14.

Conditions:
Borjeson-Forssman-Lehmann syndrome (BFLS). Also called: MENTAL RETARDATION, X-LINKED, SYNDROMIC, BORJESON-FORSSMAN-LEHMANN TYPE; MENTAL RETARDATION, EPILEPSY, AND ENDOCRINE DISORDERS; BORJESON SYNDROME. Identifiers: Orphanet 127, MedGen C0265339, MONDO:0010537, OMIM 301900.

Submissions (3):

Tgen's Center for Rare Childhood Disorders, Translational Genomics Research Institute (tgen)
Classification: Uncertain significance for Borjeson-Forssman-Lehmann syndrome. Last evaluated: 2024-03-14. Review status: criteria provided, single submitter. Criteria: ACMG Guidelines, 2015. Collection method: research. Allele origin: germline. Inheritance: X-linked dominant inheritance. Affected: yes. Observed: 1 hemizygote.
Comment: Reported as a de novo variant with confirmed parentage in a patient in the published literature; however, clinical information was not provided (PMID: 35599849). Not observed at significant frequency in large population cohorts (gnomAD). In-frame deletion of 1 amino acids in a non-repeat region. In silico analysis supports a deleterious effect on protein structure/function.

GeneDx
Classification: Uncertain significance. Last evaluated: 2024-03-13. Review status: criteria provided, single submitter. Criteria: GeneDx Variant Classification Process June 2021. Collection method: clinical testing. Allele origin: germline. Affected: yes.
Comment: Reported as a de novo variant with confirmed parentage in a patient in the published literature; however, clinical information was not provided (PMID: 35599849); Not observed at significant frequency in large population cohorts (gnomAD); In-frame deletion of 1 amino acids in a non-repeat region; In silico analysis supports a deleterious effect on protein structure/function; This variant is associated with the following publications: (PMID: 35599849)

Molecular Genetics Laboratory, BC Children's and BC Women's Hospitals
Classification: Likely pathogenic for Borjeson-Forssman-Lehmann syndrome. Last evaluated: 2016-03-02. Review status: no assertion criteria provided. Criteria: ACMG Guidelines, 2015. Collection method: clinical testing. Allele origin: de novo. Affected: yes. Not counted in ClinVar's aggregate classification.

NM_001015877.2(PHF6):c.757ACA[2] (p.Thr255del)

Gene: PHF6 (PHD finger protein 6; plus strand). Cytogenetic location: Xq26.2.
Variant type: Microsatellite.
Coding change: c.757ACA[2] on transcript NM_001015877.2 (MANE Select); two copies in a row of the 3-base unit ACA starting at c.757; the reference has three copies in a row; one copy, 3 bases deleted.
Protein change: p.Thr255del; deletes threonine 255.
Molecular consequence: inframe deletion.
Genome position (GRCh38, 1-based): chrX:134,415,049-134,415,051, ACA deleted; deleting any 3 consecutive bases within chrX:134,415,043-134,415,051 gives the same sequence; the position shown is the placement nearest the transcript's 3' end. VCF-style (leftmost placement, unchanged base first): chrX-134415042-CACA-C. GRCh37 (hg19) VCF-style: chrX-133549072-CACA-C.
Other names: c.760ACA[2], p.Thr256del (NM_032335.3); c.757ACA[2], p.Thr255del (NM_032458.3); c.763_765delACA (NM_032458.2); c.763_765del (NM_032458.2); short protein forms T255del, T256del.
Identifiers: ClinVar variation 438300 (VCV000438300.4), dbSNP rs1556019105, ClinGen allele CA645509233.
Genomic context (GRCh38, chrX:134,415,042, plus strand): 5'-TGAATGTTAATTTTCCTGCATTTTTCTTCTCTAGTTGTTTTCTTCTGGCACAGTCCAGCT[CACA>C]ACAACATCAAGAGCAGAATTTGGAGACTTTGATATTAAAACTGTACTTCAGGAGATTAAA-3'